The following is an entry in ClinVar:

NM_032578.4(MYPN):c.2764C>T (p.Arg922Cys)

Gene: MYPN (myopalladin; plus strand). Cytogenetic location: 10q21.3.
Variant type: single nucleotide variant.
Coding change: c.2764C>T on transcript NM_032578.4 (MANE Select); coding-DNA position 2764, C replaced by T.
Protein change: p.Arg922Cys; replaces arginine 922 with cysteine.
Molecular consequence: missense variant. On other transcripts: non-coding transcript variant (2).
Genome position (GRCh38, 1-based): chr10:68,188,965, C>T. VCF-style: chr10-68188965-C-T. GRCh37 (hg19) VCF-style: chr10-69948722-C-T.
Other names: c.2764C>T (NM_032578.2, NM_032578.3); c.2764C>T, p.Arg922Cys (NM_001256267.2); c.1882C>T, p.Arg628Cys (NM_001256268.2); short protein forms R922C, R628C.
Identifiers: ClinVar variation 1426517 (VCV001426517.7), dbSNP rs759367436, ClinGen allele CA5522869.

ClinVar aggregate classification (germline): Uncertain significance. Review status: criteria provided, multiple submitters, no conflicts (2 of 4 stars). 4 submissions from 4 submitters: Uncertain significance (4). Last evaluated 2025-07-24.

Conditions:
Cardiovascular phenotype. Identifiers: MedGen CN230736.
Dilated cardiomyopathy 1KK (CMD1KK). Identifiers: Orphanet 154, Orphanet 75249, MedGen C3714995, MONDO:0014100, OMIM 615248.

Allele frequency attached by ClinVar (database versions not stated): gnomAD 0.00001; TOPMed 0.00003; gnomAD exomes 0.00004; ExAC 0.00007.
gnomAD v4.1: 26 of 1,614,030 alleles (0.0016%); highest among the groups gnomAD compares: African/African-American, 0.0053%; no homozygotes.

Submissions (4):

GeneDx
Classification: Uncertain significance. Last evaluated: 2025-07-24. Review status: criteria provided, single submitter. Criteria: GeneDx Variant Classification Process June 2021. Collection method: clinical testing. Allele origin: germline. Affected: yes.
Comment: In silico analysis supports that this missense variant has a deleterious effect on protein structure/function; Has not been previously published as pathogenic or benign to our knowledge

Ambry Genetics
Classification: Uncertain significance for Cardiovascular phenotype. Last evaluated: 2025-03-04. Review status: criteria provided, single submitter. Criteria: Ambry Variant Classification Scheme 2023. Collection method: clinical testing. Allele origin: germline.
Comment: The p.R922C variant (also known as c.2764C>T), located in coding exon 12 of the MYPN gene, results from a C to T substitution at nucleotide position 2764. The arginine at codon 922 is replaced by cysteine, an amino acid with highly dissimilar properties. This amino acid position is highly conserved in available vertebrate species. In addition, the in silico prediction for this alteration is inconclusive. Since supporting evidence is limited at this time, the clinical significance of this alteration remains unclear.

Clinical Genetics Laboratory, Skane University Hospital Lund
Classification: Uncertain significance. Last evaluated: 2023-03-27. Review status: criteria provided, single submitter. Criteria: ACMG Guidelines, 2015. Collection method: clinical testing. Allele origin: germline. Affected: yes.

Labcorp Genetics (formerly Invitae), Labcorp
Classification: Uncertain significance for Dilated cardiomyopathy 1KK. Last evaluated: 2022-06-21. Review status: criteria provided, single submitter. Criteria: Invitae Variant Classification Sherloc (09022015). Collection method: clinical testing. Allele origin: germline.
Comment: This sequence change replaces arginine, which is basic and polar, with cysteine, which is neutral and slightly polar, at codon 922 of the MYPN protein (p.Arg922Cys). This variant is present in population databases (rs759367436, gnomAD 0.008%). This variant has not been reported in the literature in individuals affected with MYPN-related conditions. Algorithms developed to predict the effect of missense changes on protein structure and function are either unavailable or do not agree on the potential impact of this missense change (SIFT: "Deleterious"; PolyPhen-2: "Probably Damaging"; Align-GVGD: "Class C0"). In summary, the available evidence is currently insufficient to determine the role of this variant in disease. Therefore, it has been classified as a Variant of Uncertain Significance.